The following is an entry in ClinVar:

NM_000535.7(PMS2):c.804-1G>A

Gene: PMS2 (PMS1 homolog 2, mismatch repair system component; minus strand). Cytogenetic location: 7p22.1.
Variant type: single nucleotide variant.
Coding change: c.804-1G>A on transcript NM_000535.7 (MANE Select); the canonical splice acceptor site of the intron before coding-DNA position 804, G replaced by A.
Molecular consequence: splice acceptor variant. On other transcripts: intron variant (4).
Genome position (GRCh38, 1-based): chr7:5,995,634, C>T on the plus strand (G>A on the coding strand, the complement: PMS2 is on the minus strand). VCF-style: chr7-5995634-C-T. GRCh37 (hg19) VCF-style: chr7-6035265-C-T.
Other names: c.495-1G>A (NM_001406875.1, NM_001406877.1, NM_001406881.1 and 6 more transcripts); c.486-1G>A (NM_001322008.2, NM_001406902.1, NM_001406883.1 and 4 more transcripts); c.399-1G>A (NM_001406895.1, NM_001322010.2, NM_001322004.2 and 19 more transcripts); c.133-3577G>A (NM_001406911.1); c.291-1G>A (NM_001406904.1, NM_001406905.1); c.231-1G>A (NM_001322013.2, NM_001406909.1); c.-130-1G>A (NM_001322012.2, NM_001322011.2); c.468-1G>A (NM_001406885.1); and 8 more.
Identifiers: ClinVar variation 573060 (VCV000573060.21), dbSNP rs1562664845, ClinGen allele CA366743589.

ClinVar aggregate classification (germline): Pathogenic/Likely pathogenic. Review status: criteria provided, multiple submitters, no conflicts (2 of 4 stars). 7 submissions from 7 submitters: Pathogenic (3); Likely pathogenic (3). 1 of the submissions does not count toward it. Last evaluated 2025-07-22.

Conditions:
Hereditary nonpolyposis colorectal neoplasms. Identifiers: MedGen C0009405, MeSH D003123.
Lynch syndrome 4 (LYNCH4). Also called: Hereditary non-polyposis colorectal cancer, type 4; Colorectal cancer, hereditary nonpolyposis, type 4. Identifiers: Orphanet 144, MedGen C1838333, MONDO:0013699, OMIM 614337. Disease mechanism: loss of function.
Lynch syndrome. Identifiers: Orphanet 144, MedGen C4552100, MONDO:0005835. Disease mechanism: loss of function.
Hereditary cancer-predisposing syndrome. Also called: Neoplastic Syndromes, Hereditary; Hereditary Cancer Syndrome; Tumor predisposition; Hereditary neoplastic syndrome. Identifiers: Orphanet 140162, MedGen C0027672, MeSH D009386, MONDO:0015356.

Submissions (7):

Labcorp Genetics (formerly Invitae), Labcorp
Classification: Pathogenic for Hereditary nonpolyposis colorectal neoplasms. Last evaluated: 2025-07-22. Review status: criteria provided, single submitter. Criteria: Invitae Variant Classification Sherloc (09022015). Collection method: clinical testing. Allele origin: germline.
Comment: This sequence change affects an acceptor splice site in intron 7 of the PMS2 gene. RNA analysis indicates that disruption of this splice site induces altered splicing and may result in an absent or altered protein product. This variant is not present in population databases (gnomAD no frequency). Disruption of this splice site has been observed in individual(s) with clinical features of constitutional mismatch repair deficiency syndrome (PMID: 19156169). In at least one individual the data is consistent with being in trans (on the opposite chromosome) from a pathogenic variant. It has also been observed to segregate with disease in related individuals. ClinVar contains an entry for this variant (Variation ID: 573060). Studies have shown that disruption of this splice site results in activation of a cryptic splice site, and produces a non-functional protein and/or introduces a premature termination codon (internal data). For these reasons, this variant has been classified as Pathogenic.

Spanish MMR Variant Interpretation Working Group
Classification: Pathogenic for Hereditary cancer-predisposing syndrome. Last evaluated: 2025-05-05. Review status: criteria provided, single submitter. Criteria: ClinGen CRC ACMG Specifications PMS2 V1.0.0. Collection method: clinical testing. Allele origin: germline. Affected: yes.
Comment: The PMS2 variant c.804-1G>A is located 1 base pair upstream of coding exon 8 (PVS1). This variant is predicted by SpliceAI algorithm to alter normal splicing by activation of a cryptic splice acceptor site. It is absent from the gnomAD v4.1.0 database (PM2_P). There is another variant reported at the same position (c.804-1G>T), but without confirmation of the splicing defect (PMID: 28874130). To our current knowledge, no functional assays have been reported for the  c.804-1G>A variant. Based on the available evidence, this variant is classified as Pathogenic (Class 5).

GeneDx
Classification: Pathogenic. Last evaluated: 2024-02-06. Review status: criteria provided, single submitter. Criteria: GeneDx Variant Classification Process June 2021. Collection method: clinical testing. Allele origin: germline. Affected: yes.
Comment: Canonical splice site variant predicted to result in a null allele in a gene for which loss of function is a known mechanism of disease; Not observed at significant frequency in large population cohorts (gnomAD); Has not been previously published as pathogenic or benign to our knowledge; This variant is associated with the following publications: (PMID: 19156169)

Myriad Genetics, Inc.
Classification: Likely pathogenic for Lynch syndrome 4. Last evaluated: 2023-09-19. Review status: criteria provided, single submitter. Criteria: Myriad Autosomal Dominant, Autosomal Recessive and X-Linked Classification Criteria (2023). Collection method: clinical testing. Allele origin: unknown.
Comment: This variant is considered likely pathogenic. This variant occurs within a consensus splice junction and is predicted to result in abnormal mRNA splicing of either an out-of-frame exon or an in-frame exon necessary for protein stability and/or normal function.

Ambry Genetics
Classification: Likely pathogenic for Hereditary cancer-predisposing syndrome. Last evaluated: 2023-09-12. Review status: criteria provided, single submitter. Criteria: Ambry Variant Classification Scheme 2023. Collection method: clinical testing. Allele origin: germline.
Comment: The c.804-1G>A intronic variant results from a G to A substitution one nucleotide upstream from coding exon 8 of the PMS2 gene. This variant was not reported in population-based cohorts in the Genome Aggregation Database (gnomAD). This nucleotide position is highly conserved in available vertebrate species. In silico splice site analysis predicts that this alteration will weaken the native splice acceptor site and will result in the creation or strengthening of a novel splice acceptor site; however, direct evidence is insufficient at this time (Ambry internal data). Alterations that disrupt the canonical splice site are expected to cause aberrant splicing, resulting in an abnormal protein or a transcript that is subject to nonsense-mediated mRNA decay. As such, this alteration is classified as likely pathogenic.

Color Diagnostics, LLC DBA Color Health
Classification: Likely pathogenic for Hereditary cancer-predisposing syndrome. Last evaluated: 2020-12-02. Review status: criteria provided, single submitter. Criteria: ACMG Guidelines, 2015. Collection method: clinical testing. Allele origin: germline.
Comment: This variant causes a G to A nucleotide substitution at the -1 position of intron 7 of the PMS2 gene. Splice site prediction tools predict that this variant may have a significant impact on RNA splicing. To our knowledge, functional studies have not been reported for this variant nor has this variant been reported in individuals affected with hereditary cancer in the literature. However, two different single-nucleotide variants with similar effect at the intron 7 splice acceptor site, c.804-1G>T and c.804-2A>G, have been observed in a suspected Lynch syndrome family (PMID: 28874130) and in a family with biallelic PMS2 variant carriers affected with Turcot syndrome (PMID: 19156169, 32642664). This variant has not been identified in the general population by the Genome Aggregation Database (gnomAD). Loss of PMS2 function is a known mechanism of disease. Based on the available evidence, this variant is classified as Likely Pathogenic.

University of Washington Department of Laboratory Medicine, University of Washington
Classification: Uncertain significance for Lynch syndrome. Last evaluated: 2018-05-01. Review status: flagged submission. Criteria: Shirts BH et al. (Am J Hum Genet 2018). Collection method: clinical testing. Allele origin: somatic. Affected: yes. Not counted in ClinVar's aggregate classification.
Comment: PMS2 NM_000535.5:c.804-1G>A has a 84.1% probability of pathogenicity based on combining prior probability from public data with a likelihood ratio of 0.16 to 1, generated from evidence of seeing this as a somatic mutation in a tumor with loss of heterozygosity at the PMS2 locus. See Shirts et al 2018, PMID 29887214.
ClinVar note: Reason: Older and outlier claim with insufficient supporting evidence

Literature cited by the submitters: PubMed 19156169 (cited by Labcorp Genetics (formerly Invitae), Labcorp).